The following is an entry in ClinVar:

ClinVar aggregate classification (germline): Uncertain significance (1 of 4 stars; one submission).

Conditions:
Ehlers-Danlos syndrome, classic type, 1 (EDSCL1). Also called: EHLERS-DANLOS SYNDROME, GRAVIS TYPE; EHLERS-DANLOS SYNDROME, SEVERE CLASSIC TYPE; Ehlers-Danlos syndrome, type 1; Ehlers-Danlos Syndrome, Classic Type, COL5A1-Related; EDS I. Identifiers: MedGen C0268335, MONDO:0019567, OMIM 130000.

gnomAD v4.1: 1 of 1,613,488 alleles (0.000062%); highest among the groups gnomAD compares: South Asian, 0.0011%; no homozygotes.

Submission:

Labcorp Genetics (formerly Invitae), Labcorp
Classification: Uncertain significance for Ehlers-Danlos syndrome, classic type, 1. Last evaluated: 2024-06-30. Review status: criteria provided, single submitter. Criteria: Invitae Variant Classification Sherloc (09022015). Collection method: clinical testing. Allele origin: germline.
Comment: This sequence change falls in intron 36 of the COL5A1 gene. It does not directly change the encoded amino acid sequence of the COL5A1 protein. It affects a nucleotide within the consensus splice site. This variant is not present in population databases (gnomAD no frequency). This variant has not been reported in the literature in individuals affected with COL5A1-related conditions. Variants that disrupt the consensus splice site are a relatively common cause of aberrant splicing (PMID: 17576681, 9536098). Algorithms developed to predict the effect of sequence changes on RNA splicing suggest that this variant is not likely to affect RNA splicing. In summary, the available evidence is currently insufficient to determine the role of this variant in disease. Therefore, it has been classified as a Variant of Uncertain Significance.

Literature cited by the submitters: PubMed 17576681; PubMed 9536098.

NM_000093.5(COL5A1):c.2898+6T>C

Gene: COL5A1 (collagen type V alpha 1 chain; plus strand). Cytogenetic location: 9q34.3.
Variant type: single nucleotide variant.
Coding change: c.2898+6T>C on transcript NM_000093.5 (MANE Select); 6 bases into the intron after coding-DNA position 2898, T replaced by C.
Molecular consequence: intron variant.
Genome position (GRCh38, 1-based): chr9:134,796,907, T>C. VCF-style: chr9-134796907-T-C. GRCh37 (hg19) VCF-style: chr9-137688753-T-C.
Other names: c.2898+6T>C (NM_001278074.1).
Identifiers: ClinVar variation 3680118 (VCV003680118.2).